The following is an entry in ClinVar:

NM_000238.4(KCNH2):c.2623A>C (p.Thr875Pro)

Gene: KCNH2 (potassium voltage-gated channel subfamily H member 2; minus strand). Cytogenetic location: 7q36.1.
Variant type: single nucleotide variant.
Coding change: c.2623A>C on transcript NM_000238.4 (MANE Select); coding-DNA position 2623, A replaced by C.
Protein change: p.Thr875Pro; replaces threonine 875 with proline.
Molecular consequence: missense variant. On other transcripts: non-coding transcript variant (2).
Genome position (GRCh38, 1-based): chr7:150,948,513, T>G on the plus strand (A>C on the coding strand, the complement: KCNH2 is on the minus strand). VCF-style: chr7-150948513-T-G. GRCh37 (hg19) VCF-style: chr7-150645601-T-G.
Other names: c.2335A>C, p.Thr779Pro (NM_001406753.1); c.1603A>C, p.Thr535Pro (NM_172057.3); short protein forms T875P, T779P, T535P.
Identifiers: ClinVar variation 3713006 (VCV003713006.2).

ClinVar aggregate classification (germline): Uncertain significance (1 of 4 stars; one submission).

Conditions:
Long QT syndrome (LQTS). Identifiers: MedGen C0023976, MeSH D008133, MONDO:0002442. Disease mechanism: loss of function. Inheritance: Various modes of inheritance.

gnomAD v4.1: 1 of 1,613,038 alleles (0.000062%); highest among the groups gnomAD compares: Non-Finnish European, 0.000085%; no homozygotes.

Submission:

Labcorp Genetics (formerly Invitae), Labcorp
Classification: Uncertain significance for Long QT syndrome. Last evaluated: 2024-07-18. Review status: criteria provided, single submitter. Criteria: Invitae Variant Classification Sherloc (09022015). Collection method: clinical testing. Allele origin: germline.
Comment: This sequence change replaces threonine, which is neutral and polar, with proline, which is neutral and non-polar, at codon 875 of the KCNH2 protein (p.Thr875Pro). This variant is not present in population databases (gnomAD no frequency). This variant has not been reported in the literature in individuals affected with KCNH2-related conditions. An algorithm developed to predict the effect of missense changes on protein structure and function (PolyPhen-2) suggests that this variant is likely to be tolerated. In summary, the available evidence is currently insufficient to determine the role of this variant in disease. Therefore, it has been classified as a Variant of Uncertain Significance.